The following is an entry in ClinVar:

NM_003242.6(TGFBR2):c.1524+10G>C

Gene: TGFBR2 (transforming growth factor beta receptor 2; plus strand). Cytogenetic location: 3p24.1.
Variant type: single nucleotide variant.
Coding change: c.1524+10G>C on transcript NM_003242.6 (MANE Select); 10 bases into the intron after coding-DNA position 1524, G replaced by C.
Molecular consequence: intron variant.
Genome position (GRCh38, 1-based): chr3:30,688,521, G>C. VCF-style: chr3-30688521-G-C. GRCh37 (hg19) VCF-style: chr3-30730013-G-C.
Other names: c.1527+10G>C (NM_001407129.1); c.1419+10G>C (NM_001407132.1, NM_001407136.1, NM_001407133.1 and 2 more transcripts); c.1707+10G>C (NM_001407126.1); c.1599+10G>C (NM_001024847.3); c.654+10G>C (NM_001407139.1); c.1239+10G>C (NM_001407137.1); c.1632+10G>C (NM_001407127.1); c.1521+10G>C (NM_001407130.1); and 2 more.
Identifiers: ClinVar variation 414977 (VCV000414977.13), dbSNP rs377397188, ClinGen allele CA046817.

ClinVar aggregate classification (germline): Likely benign. Review status: criteria provided, multiple submitters, no conflicts (2 of 4 stars). 3 submissions from 3 submitters: Likely benign (3). Last evaluated 2026-01-18.

Conditions:
Familial thoracic aortic aneurysm and aortic dissection (TAAD). Also called: Thoracic aortic aneurysms and dissections. Identifiers: Orphanet 91387, MedGen C4707243, MONDO:0019625.

Allele frequency attached by ClinVar (database versions not stated): gnomAD 0.00004; TOPMed 0.00004; ESP Exome Variant Server 0.00008.

Submissions (3):

Labcorp Genetics (formerly Invitae), Labcorp
Classification: Likely benign for Familial thoracic aortic aneurysm and aortic dissection. Last evaluated: 2026-01-18. Review status: criteria provided, single submitter. Criteria: Invitae Variant Classification Sherloc (09022015). Collection method: clinical testing. Allele origin: germline.

Blueprint Genetics
Classification: Likely benign. Last evaluated: 2024-10-11. Review status: criteria provided, single submitter. Criteria: ACMG Guidelines, 2015. Collection method: clinical testing. Allele origin: germline.

GeneDx
Classification: Likely benign. Last evaluated: 2018-04-12. Review status: criteria provided, single submitter. Criteria: GeneDx Variant Classification (06012015). Collection method: clinical testing. Allele origin: germline. Affected: yes.
Comment: This variant is considered likely benign or benign based on one or more of the following criteria: it is a conservative change, it occurs at a poorly conserved position in the protein, it is predicted to be benign by multiple in silico algorithms, and/or has population frequency not consistent with disease.